The following is an entry in ClinVar:

ClinVar aggregate classification (germline): Uncertain significance (1 of 4 stars; one submission).

Submission:

Labcorp Genetics (formerly Invitae), Labcorp
Classification: Uncertain significance. Last evaluated: 2021-08-27. Review status: criteria provided, single submitter. Criteria: Invitae Variant Classification Sherloc (09022015). Collection method: clinical testing. Allele origin: germline.
Comment: This variant, c.167_178dup, results in the insertion of 4 amino acid(s) to the GTPBP3 protein (p.Pro56_Gly59dup), but otherwise preserves the integrity of the reading frame. This variant is not present in population databases (ExAC no frequency). This variant has not been reported in the literature in individuals affected with GTPBP3-related conditions. Experimental studies and prediction algorithms are not available or were not evaluated, and the functional significance of this variant is currently unknown. In summary, the available evidence is currently insufficient to determine the role of this variant in disease. Therefore, it has been classified as a Variant of Uncertain Significance.

NM_032620.4(GTPBP3):c.167_178dup (p.Pro56_Gly59dup)

Gene: GTPBP3 (GTP binding protein 3, mitochondrial; plus strand). Cytogenetic location: 19p13.11.
Variant type: Duplication.
Coding change: c.167_178dup on transcript NM_032620.4 (MANE Select); coding-DNA positions 167 to 178, 12 bases duplicated (CCGCCAGCGGCC).
Protein change: p.Pro56_Gly59dup.
Molecular consequence: inframe insertion.
Genome position (GRCh38, 1-based): chr19:17,338,121-17,338,132, CCGCCAGCGGCC duplicated; duplicating any 12 consecutive bases within chr19:17,338,112-17,338,132 gives the same sequence; the c. name uses the placement nearest the transcript's 3' end. VCF-style (leftmost placement, unchanged base first): chr19-17338111-A-ACCAGCGGCCCCG. GRCh37 (hg19) VCF-style: chr19-17448920-A-ACCAGCGGCCCCG.
Other names: c.167_178dup, p.Pro56_Gly59dup (NM_001128855.3, NM_133644.4); c.233_244dup, p.Pro78_Gly81dup (NM_001195422.1).
Identifiers: ClinVar variation 1506662 (VCV001506662.5), dbSNP rs758576361, ClinGen allele CA632134426.